The following is an entry in ClinVar:

NM_000535.7(PMS2):c.2174+1G>T

Gene: PMS2 (PMS1 homolog 2, mismatch repair system component; minus strand). Cytogenetic location: 7p22.1.
Variant type: single nucleotide variant.
Coding change: c.2174+1G>T on transcript NM_000535.7 (MANE Select); the canonical splice donor site of the intron after coding-DNA position 2174, G replaced by T.
Molecular consequence: splice donor variant. On other transcripts: intron variant (4).
Genome position (GRCh38, 1-based): chr7:5,982,823, C>A on the plus strand (G>T on the coding strand, the complement: PMS2 is on the minus strand). VCF-style: chr7-5982823-C-A. GRCh37 (hg19) VCF-style: chr7-6022454-C-A.
Other names: c.1808+1G>T (NM_001406886.1); c.1850+1G>T (NM_001406884.1); c.2006+1G>T (NM_001406874.1); c.1241+1G>T (NM_001322011.2, NM_001322012.2); c.2066+1G>T (NM_001406869.1); c.1976+1G>T (NM_001406873.1); c.971+1G>T (NM_001406912.1); c.2018+1G>T (NM_001322006.2, NM_001406870.1); and 16 more.
Identifiers: ClinVar variation 1787144 (VCV001787144.9), dbSNP rs267608172, ClinGen allele CA046863.
Genomic context (GRCh38, chr7:5,982,823, plus strand): 5'-TGGCCTCTATTAGATCTTCAATTTGAGGGGGAGTCTGGGAATGAACACTAAACACACTCA[C>A]GCTATGAGCCTCTGCCCCTGGAGCACGGTGTGCTGCTGCAGCATCTCGAAGTTATACTTC-3'

ClinVar aggregate classification (germline): Pathogenic/Likely pathogenic. Review status: criteria provided, multiple submitters, no conflicts (2 of 4 stars). 5 submissions from 5 submitters: Pathogenic (3); Likely pathogenic (2). Last evaluated 2026-02-28.

Conditions:
Hereditary nonpolyposis colorectal neoplasms. Identifiers: MedGen C0009405, MeSH D003123.
Hereditary cancer-predisposing syndrome. Also called: Hereditary neoplastic syndrome; Neoplastic Syndromes, Hereditary; Tumor predisposition; Hereditary Cancer Syndrome. Identifiers: Orphanet 140162, MedGen C0027672, MeSH D009386, MONDO:0015356.
Lynch syndrome 4 (LYNCH4). Also called: Hereditary non-polyposis colorectal cancer, type 4; Colorectal cancer, hereditary nonpolyposis, type 4. Identifiers: Orphanet 144, MedGen C1838333, MONDO:0013699, OMIM 614337. Disease mechanism: loss of function.

Submissions (5):

Ambry Genetics
Classification: Likely pathogenic for Hereditary cancer-predisposing syndrome. Last evaluated: 2026-02-28. Review status: criteria provided, single submitter. Criteria: Ambry Variant Classification Scheme 2023. Collection method: clinical testing. Allele origin: germline.
Comment: The c.2174+1G>T intronic variant results from a G to T substitution one nucleotide after coding exon 12 of the PMS2 gene. Variants that disrupt the canonical splice site are expected to result in aberrant splicing. In silico splice site analysis predicts that this alteration will weaken the native splice donor site. A resulting transcript is predicted to be in-frame and is not expected to trigger nonsense-mediated mRNAdecay; although, direct evidence is unavailable. However, the region predicted to be impacted is critical for protein function and a significant portion of the protein is predicted to be impacted (Ambry internal data). A similar alteration, c.2174+1G>A, has been detected in individuals diagnosed with synchronous primary colon cancers or early-onset colon cancer, whose tumors were MSI-H or showed loss of PMS2 on IHC (Senter L et al. Gastroenterology. 2008 Aug;135(2):419-28; Yurgelun MB et al. J Clin Oncol. 2017 Apr 1;35(10):1086-1095) as well as in patients with CMMR-D, either as compound heterozygous with another PMS2 mutation or in a homozygous state (Vaughn CP et al. Hum Mutat. 2010 May;31(5):588-93; Herkert JC et al. Eur. J. Cancer. 2011 May;47(7):965-82), and a splicing minigene assay demonstrated that c.2174+1G>A caused aberrant splicing (van der Klift HM et al. Mol Genet Genomic Med. 2015 Jul;3(4):327-45). This nucleotide position is highly conserved in available vertebrate species. Based on the majority of available evidence to date, this variant is likely to be pathogenic.

Clinical Genetics Laboratory, University Hospital Schleswig-Holstein
Classification: Pathogenic for Lynch syndrome 4. Last evaluated: 2025-03-12. Review status: criteria provided, single submitter. Criteria: ACMG Guidelines, 2015. Collection method: clinical testing. Allele origin: paternal. Affected: yes. Observed: 2 heterozygotes.
Comment: ACMG criteria applied: PM2, PS4_Moderate, PVS1_Moderate, PS1

Myriad Genetics, Inc.
Classification: Likely pathogenic for Lynch syndrome 4. Last evaluated: 2023-09-21. Review status: criteria provided, single submitter. Criteria: Myriad Autosomal Dominant, Autosomal Recessive and X-Linked Classification Criteria (2023). Collection method: clinical testing. Allele origin: unknown.
Comment: This variant is considered likely pathogenic. This variant occurs within a consensus splice junction and is predicted to result in abnormal mRNA splicing of either an out-of-frame exon or an in-frame exon necessary for protein stability and/or normal function.

Labcorp Genetics (formerly Invitae), Labcorp
Classification: Pathogenic for Hereditary nonpolyposis colorectal neoplasms. Last evaluated: 2023-08-08. Review status: criteria provided, single submitter. Criteria: Invitae Variant Classification Sherloc (09022015). Collection method: clinical testing. Allele origin: germline.
Comment: For these reasons, this variant has been classified as Pathogenic. This variant disrupts the MLH1 interaction domain of the PMS2 protein, which has been shown to be critical for PMS2-MLH1 dimerization (PMID: 10037723), and therefore mismatch repair activity (PMID: 16338176, 20533529). While functional studies have not been performed to directly test the effect of this variant on PMS2 protein function, this suggests that disruption of this region of the protein is causative of disease. ClinVar contains an entry for this variant (Variation ID: 1787144). Disruption of this splice site has been observed in individuals with colorectal cancer, breast cancer, ovarian cancer, pancreatic cancer, suspected Lynch syndrome, and constitutional mismatch repair deficiency syndrome (PMID: 18602922, 20205264, 21376568, 23012243, 25186627, 26110232, 26681312, 28135145, 30067863). The frequency data for this variant in the population databases (gnomAD) is considered unreliable due to the presence of homologous sequence, such as pseudogenes or paralogs, in the genome. This sequence change affects a donor splice site in intron 12 of the PMS2 gene. RNA analysis indicates that disruption of this splice site induces altered splicing and likely results in a shortened protein product. Studies have shown that disruption of this splice site results in skipping of exon 12, but is expected to preserve the integrity of the reading-frame (PMID: 21376568, 26247049).

Quest Diagnostics Nichols Institute San Juan Capistrano
Classification: Pathogenic. Last evaluated: 2021-08-20. Review status: criteria provided, single submitter. Criteria: Quest Diagnostics criteria. Collection method: clinical testing. Allele origin: unknown.
Comment: This variant is located in a canonical splice-donor site and interferes with normal PMS2 mRNA splicing. To the best of our knowledge, the variant has not been reported in the published literature. Based on the available information, this variant is classified as pathogenic.

Literature cited by the submitters: PubMed 10037723 (cited by Labcorp Genetics (formerly Invitae), Labcorp); PubMed 16338176 (cited by Labcorp Genetics (formerly Invitae), Labcorp); PubMed 20533529 (cited by Labcorp Genetics (formerly Invitae), Labcorp); PubMed 18602922 (cited by Labcorp Genetics (formerly Invitae), Labcorp); PubMed 20205264 (cited by Labcorp Genetics (formerly Invitae), Labcorp); PubMed 21376568 (cited by Labcorp Genetics (formerly Invitae), Labcorp); PubMed 23012243 (cited by Labcorp Genetics (formerly Invitae), Labcorp); PubMed 25186627 (cited by Labcorp Genetics (formerly Invitae), Labcorp); PubMed 26110232 (cited by Labcorp Genetics (formerly Invitae), Labcorp); PubMed 26681312 (cited by Labcorp Genetics (formerly Invitae), Labcorp); PubMed 28135145 (cited by Labcorp Genetics (formerly Invitae), Labcorp); PubMed 30067863 (cited by Labcorp Genetics (formerly Invitae), Labcorp); PubMed 26247049 (cited by Labcorp Genetics (formerly Invitae), Labcorp).